The following is an entry in ClinVar:

ClinVar aggregate classification (germline): Likely pathogenic (3 of 4 stars; one submission).

Conditions:
PIK3R1-related immunodeficiency and SHORT syndrome. Identifiers: MedGen CN379774, MONDO:1060136.

Submission:

ClinGen Primary Immune Regulatory Disorders Variant Curation Expert Panel, ClinGen
Classification: Likely pathogenic for PIK3R1-related immunodeficiency and SHORT syndrome. Last evaluated: 2026-05-19. Review status: reviewed by expert panel. Criteria: ClinGen AbDef ACMG Specifications PIK3R1 V1.0.0. Collection method: curation. Allele origin: germline. Inheritance: Autosomal dominant inheritance.
Comment: NM_181523.3(PIK3R1):c.1300-14_1312del is a 27-bp deletion variant that includes 14 bp from intron 10, including the canonical splice donor site, and 13 bp from exon 11, and is predicted to trigger in-frame skipping of exon 11, resulting in disruption of PIK3R1 function (PVS1_Strong). Two other variants that are predicted to skip exon 11, NM_181523.3(PIK3R1):c.1300-1G>C and NM_181523.3(PIK3R1):c.1300-2A>G, are located within the same splice donor site disrupted by the present variant and have been classified as likely pathogenic for PIK3R1-related immunodeficiency and SHORT syndrome by the ClinGen Antibody Deficiencies VCEP. PS1 is not met since the comparison variants have not reached pathogenic classification. This variant is absent from gnomAD v4.1.0 (PM2_Supporting). This variant has been reported in 1 unpublished proband with a phenotype consistent with PIK3R1-related immunodeficiency and SHORT syndrome, with next-generation sequencing-based genotyping that did not identify an alternative basis for disease in the PIK3CD gene (8 total points, VCEP member-provided data, PS4_Supporting). In summary, this variant meets the criteria to be classified as likely pathogenic for PIK3R1-related immunodeficiency and SHORT syndrome based on the ACMG/AMP criteria applied, as specified by the ClinGen Antibody Deficiencies VCEP: PVS1_Strong, PM2_Supporting, and PS4_Supporting. (VCEP specifications version 1.0.0; date of approval 04/29/2026).

NM_181523.3(PIK3R1):c.1300-14_1312del

Gene: PIK3R1 (phosphoinositide-3-kinase regulatory subunit 1; plus strand). Cytogenetic location: 5q13.1.
Variant type: Deletion.
Coding change: c.1300-14_1312del on transcript NM_181523.3 (MANE Select); 14 bases into the intron before coding-DNA position 1300 through coding-DNA position 1312, 27 bases deleted (TTTAATCTTTCTAGGATCAAGTTGTCA).
Molecular consequence: splice acceptor variant.
Genome position (GRCh38, 1-based): chr5:68,293,695-68,293,721, TTTAATCTTTCTAGGATCAAGTTGTCA deleted. VCF-style (leftmost placement, unchanged base first): chr5-68293694-TTTTAATCTTTCTAGGATCAAGTTGTCA-T. GRCh37 (hg19) VCF-style: chr5-67589522-TTTTAATCTTTCTAGGATCAAGTTGTCA-T.
Other names: NM_181524.2:c.400-14_412del; c.400-14_412del (NM_181524.2); c.490-14_502del (NM_181504.4); c.211-14_223del (NM_001242466.2).
Identifiers: ClinVar variation 4857721 (VCV004857721.1).